The following is an entry in ClinVar:

ClinVar aggregate classification (germline): Uncertain significance (1 of 4 stars; one submission).

Conditions:
T-B+ severe combined immunodeficiency due to JAK3 deficiency. Also called: SCID, T CELL-NEGATIVE, B CELL-POSITIVE, NK CELL-NEGATIVE; SCID, autosomal recessive, T-negative/B-positive type. Identifiers: Orphanet 35078, MedGen C1833275, MONDO:0010938, OMIM 600802.

Allele frequency attached by ClinVar (database versions not stated): gnomAD 0.00001; TOPMed 0.00001.
gnomAD v4.1: 6 of 1,611,102 alleles (0.00037%); highest among the groups gnomAD compares: South Asian, 0.0033%; no homozygotes.

Submission:

Labcorp Genetics (formerly Invitae), Labcorp
Classification: Uncertain significance for T-B+ severe combined immunodeficiency due to JAK3 deficiency. Last evaluated: 2022-09-06. Review status: criteria provided, single submitter. Criteria: Invitae Variant Classification Sherloc (09022015). Collection method: clinical testing. Allele origin: germline.
Comment: In summary, the available evidence is currently insufficient to determine the role of this variant in disease. Therefore, it has been classified as a Variant of Uncertain Significance. Algorithms developed to predict the effect of missense changes on protein structure and function (SIFT, PolyPhen-2, Align-GVGD) all suggest that this variant is likely to be tolerated. ClinVar contains an entry for this variant (Variation ID: 664756). This variant has not been reported in the literature in individuals affected with JAK3-related conditions. This variant is present in population databases (rs763951351, gnomAD 0.004%). This sequence change replaces aspartic acid, which is acidic and polar, with asparagine, which is neutral and polar, at codon 922 of the JAK3 protein (p.Asp922Asn).

NM_000215.4(JAK3):c.2764G>A (p.Asp922Asn)

Gene: JAK3 (Janus kinase 3; minus strand). Cytogenetic location: 19p13.11.
Variant type: single nucleotide variant.
Coding change: c.2764G>A on transcript NM_000215.4 (MANE Select); coding-DNA position 2764, G replaced by A.
Protein change: p.Asp922Asn; replaces aspartic acid 922 with asparagine.
Molecular consequence: missense variant.
Genome position (GRCh38, 1-based): chr19:17,831,715, C>T on the plus strand (G>A on the coding strand, the complement: JAK3 is on the minus strand). VCF-style: chr19-17831715-C-T. GRCh37 (hg19) VCF-style: chr19-17942524-C-T.
Other names: short protein forms D922N.
Identifiers: ClinVar variation 664756 (VCV000664756.8), dbSNP rs763951351, ClinGen allele CA9301516.